The following is an entry in ClinVar:

NM_001267550.2(TTN):c.40057+1G>C

Gene: TTN (titin; minus strand). Cytogenetic location: 2q31.2.
Variant type: single nucleotide variant.
Coding change: c.40057+1G>C on transcript NM_001267550.2 (MANE Select); the canonical splice donor site of the intron after coding-DNA position 40057, G replaced by C.
Molecular consequence: splice donor variant. On other transcripts: intron variant (5).
Genome position (GRCh38, 1-based): chr2:178,649,247, C>G on the plus strand (G>C on the coding strand, the complement: TTN is on the minus strand). VCF-style: chr2-178649247-C-G. GRCh37 (hg19) VCF-style: chr2-179513974-C-G.
Other names: c.13283-6930G>C (NM_003319.4); c.13859-6930G>C (NM_133437.4); c.13658-6930G>C (NM_133432.3); c.32593+570G>C (NM_133378.4); c.35374+570G>C (NM_001256850.1).
Identifiers: ClinVar variation 2930005 (VCV002930005.3), dbSNP rs1221769715, ClinGen allele CA349445560.

ClinVar aggregate classification (germline): Likely pathogenic (1 of 4 stars; one submission).

Conditions:
Dilated cardiomyopathy 1G (CMD1G). Identifiers: Orphanet 154, MedGen C1858763, MONDO:0011400, OMIM 604145.
Autosomal recessive limb-girdle muscular dystrophy type 2J (LGMDR10). Also called: MUSCULAR DYSTROPHY, LIMB-GIRDLE, AUTOSOMAL RECESSIVE 10; Limb-girdle muscular dystrophy, type 2J. Identifiers: Orphanet 140922, MedGen C1837342, MONDO:0012127, OMIM 608807.

Submission:

Labcorp Genetics (formerly Invitae), Labcorp
Classification: Likely pathogenic for Dilated cardiomyopathy 1G; Autosomal recessive limb-girdle muscular dystrophy type 2J. Last evaluated: 2024-10-18. Review status: criteria provided, single submitter. Criteria: Invitae Variant Classification Sherloc (09022015). Collection method: clinical testing. Allele origin: germline.
Comment: This sequence change affects a donor splice site in intron 213 of the TTN gene. It is expected to disrupt RNA splicing and likely results in a truncated or disrupted TTN protein. This variant is not present in population databases (gnomAD no frequency). This variant has not been reported in the literature in individuals affected with TTN-related conditions. Algorithms developed to predict the effect of sequence changes on RNA splicing suggest that this variant may disrupt the consensus splice site. This variant is located in the I band of TTN (PMID: 25589632). Truncating variants in this region have been reported in individuals affected with autosomal recessive centronuclear myopathy (PMID: 23975875, internal data). Truncating variants in this region have also been identified in individuals affected with autosomal dominant dilated cardiomyopathy and/or cardio-related conditions (PMID: 27869827, 32964742, internal data). In summary, the currently available evidence indicates that the variant is pathogenic, but additional data are needed to prove that conclusively. Therefore, this variant has been classified as Likely Pathogenic.

Literature cited by the submitters: PubMed 25589632; PubMed 23975875; PubMed 27869827; PubMed 32964742.